The following is an entry in ClinVar:

ClinVar aggregate classification (germline): Pathogenic (1 of 4 stars; one submission).

Conditions:
Joubert syndrome. Also called: CEREBELLOPARENCHYMAL DISORDER IV; JOUBERT-BOLTSHAUSER SYNDROME; Familial aplasia of the vermis. Identifiers: Orphanet 475, MedGen C5979921, MONDO:0018772.
Nephronophthisis. Also called: Juvenile Nephronophthisis. Identifiers: Orphanet 655, MedGen C0687120, MONDO:0019005, HP:0000090.
Meckel-Gruber syndrome. Also called: DYSENCEPHALIA SPLANCHNOCYSTICA; GRUBER SYNDROME; Dysencephalia splachnocystica. Identifiers: Orphanet 564, MedGen C0265215, MONDO:0018921.

Allele frequency attached by ClinVar (database versions not stated): gnomAD exomes below 0.00001.
gnomAD v4.1: 3 of 1,613,768 alleles (0.00019%); highest among the groups gnomAD compares: East Asian, 0.0022%; no homozygotes.

Submission:

Labcorp Genetics (formerly Invitae), Labcorp
Classification: Pathogenic for Joubert syndrome; Meckel-Gruber syndrome; Nephronophthisis. Last evaluated: 2023-11-15. Review status: criteria provided, single submitter. Criteria: Invitae Variant Classification Sherloc (09022015). Collection method: clinical testing. Allele origin: germline.
Comment: This sequence change creates a premature translational stop signal (p.Glu1526*) in the CEP290 gene. It is expected to result in an absent or disrupted protein product. Loss-of-function variants in CEP290 are known to be pathogenic (PMID: 16909394, 17345604, 20690115). This variant is present in population databases (no rsID available, gnomAD 0.01%). This variant has not been reported in the literature in individuals affected with CEP290-related conditions. For these reasons, this variant has been classified as Pathogenic.

Literature cited by the submitters: PubMed 16909394; PubMed 17345604; PubMed 20690115.

NM_025114.4(CEP290):c.4576G>T (p.Glu1526Ter)

Gene: CEP290 (centrosomal protein 290; minus strand). Cytogenetic location: 12q21.32.
Variant type: single nucleotide variant.
Coding change: c.4576G>T on transcript NM_025114.4 (MANE Select); coding-DNA position 4576, G replaced by T.
Protein change: p.Glu1526Ter; replaces glutamic acid 1526 with a stop codon.
Molecular consequence: nonsense.
Genome position (GRCh38, 1-based): chr12:88,084,714, C>A on the plus strand (G>T on the coding strand, the complement: CEP290 is on the minus strand). VCF-style: chr12-88084714-C-A. GRCh37 (hg19) VCF-style: chr12-88478491-C-A.
Other names: short protein forms E1526*.
Identifiers: ClinVar variation 2938642 (VCV002938642.3), dbSNP rs1337146202, ClinGen allele CA385995265.